The following is an entry in ClinVar:

NM_173648.4(CCDC141):c.335C>T (p.Ala112Val)

Gene: CCDC141 (coiled-coil domain containing 141; minus strand). Cytogenetic location: 2q31.2.
Variant type: single nucleotide variant.
Coding change: c.335C>T on transcript NM_173648.4 (MANE Select); coding-DNA position 335, C replaced by T.
Protein change: p.Ala112Val; replaces alanine 112 with valine.
Molecular consequence: missense variant.
Genome position (GRCh38, 1-based): chr2:178,978,566, G>A on the plus strand (C>T on the coding strand, the complement: CCDC141 is on the minus strand). VCF-style: chr2-178978566-G-A. GRCh37 (hg19) VCF-style: chr2-179843293-G-A.
Other names: c.335C>T, p.Ala112Val (NM_001316745.2); short protein forms A112V.
Identifiers: ClinVar variation 2980092 (VCV002980092.3), dbSNP rs1010008219, ClinGen allele CA61483498.

ClinVar aggregate classification (germline): Uncertain significance (1 of 4 stars; one submission).

Allele frequency attached by ClinVar (database versions not stated): TOPMed below 0.00001; gnomAD 0.00001; gnomAD exomes 0.00001.
gnomAD v4.1: 16 of 1,549,952 alleles (0.001%); highest among the groups gnomAD compares: South Asian, 0.0012%; no homozygotes.

Submission:

Labcorp Genetics (formerly Invitae), Labcorp
Classification: Uncertain significance. Last evaluated: 2024-11-28. Review status: criteria provided, single submitter. Criteria: Invitae Variant Classification Sherloc (09022015). Collection method: clinical testing. Allele origin: germline.
Comment: This sequence change replaces alanine, which is neutral and non-polar, with valine, which is neutral and non-polar, at codon 112 of the CCDC141 protein (p.Ala112Val). This variant is not present in population databases (gnomAD no frequency). This variant has not been reported in the literature in individuals affected with CCDC141-related conditions. ClinVar contains an entry for this variant (Variation ID: 2980092). An algorithm developed to predict the effect of missense changes on protein structure and function (PolyPhen-2) suggests that this variant is likely to be disruptive. In summary, the available evidence is currently insufficient to determine the role of this variant in disease. Therefore, it has been classified as a Variant of Uncertain Significance.